The following is an entry in ClinVar:

NM_000142.5(FGFR3):c.1909G>T (p.Gly637Trp)

Gene: FGFR3 (fibroblast growth factor receptor 3; plus strand). Cytogenetic location: 4p16.3.
Variant type: single nucleotide variant.
Coding change: c.1909G>T on transcript NM_000142.5 (MANE Select); coding-DNA position 1909, G replaced by T.
Protein change: p.Gly637Trp; replaces glycine 637 with tryptophan.
Molecular consequence: missense variant. On other transcripts: non-coding transcript variant (1).
Genome position (GRCh38, 1-based): chr4:1,806,123, G>T. VCF-style: chr4-1806123-G-T. GRCh37 (hg19) VCF-style: chr4-1807850-G-T.
Other names: c.1915G>T, p.Gly639Trp (NM_001163213.2); c.1912G>T, p.Gly638Trp (NM_001354809.2, NM_001354810.2); c.1573G>T, p.Gly525Trp (NM_022965.4); short protein forms G525W, G637W, G638W, G639W.
Identifiers: ClinVar variation 4857816 (VCV004857816.1).

ClinVar aggregate classification (germline): Uncertain significance (1 of 4 stars; one submission).

Conditions:
FGFR3-related chondrodysplasia. Identifiers: Orphanet 93420, MedGen C5681604, MONDO:0019685.

Submission:

Genomenon, Inc
Classification: Uncertain significance for FGFR3-related chondrodysplasia. Last evaluated: 2026-06-23. Review status: criteria provided, single submitter. Criteria: Genomenon Sequence Variant Interpretation Standards - Updated. Collection method: curation. Allele origin: germline. Affected: no.
Comment: FGFR3 p.Gly637Trp (c.1909G>T) is a missense variant that changes the amino acid at codon 637 from Glycine to Tryptophan. To our knowledge, this variant has not been reported in patients affected with an FGFR3-related disorder in the published literature. Functional studies have been reported (PMID:26992226). It is absent or not present at a significant frequency in gnomAD. In silico models predict that this variant is possibly or probably damaging. In conclusion, we classify FGFR3 p.Gly637Trp (c.1909G>T) as a variant of uncertain significance.

Literature cited by the submitters: PubMed 26992226.